The following is an entry in ClinVar:

ClinVar aggregate classification (germline): Conflicting classifications of pathogenicity. Review status: criteria provided, conflicting classifications (1 of 4 stars). 5 submissions from 5 submitters: Likely pathogenic (2); Uncertain significance (2). 1 of the submissions does not count toward it. Last evaluated 2026-04-15.

Conditions:
USH2A-related disorder. Also called: USH2A-related disorders; USH2A-related condition. Identifiers: MedGen CN239332.
Autosomal recessive retinitis pigmentosa. Identifiers: MedGen C0339526.

Allele frequency attached by ClinVar (database versions not stated): gnomAD exomes below 0.00001 and 0.00001; ExAC 0.00001; gnomAD 0.00001; TOPMed 0.00001.
gnomAD v4.1: 3 of 1,614,060 alleles (0.00019%); highest among the groups gnomAD compares: South Asian, 0.0022%; no homozygotes.

Submissions (5):

Myriad Genetics, Inc.
Classification: Uncertain significance for USH2A-related disorder. Last evaluated: 2026-04-15. Review status: criteria provided, single submitter. Criteria: Myriad Autosomal Dominant, Autosomal Recessive and X-Linked Classification Criteria (2023). Collection method: clinical testing. Allele origin: unknown.
Comment: NM_206933.2(USH2A):c.14294T>C(V4765A) is a missense variant classified as a variant of uncertain significance in the context of USH2A-related disorders. V4765A has been observed in a case with relevant disease (PMID: 30054919). Relevant functional assessments of this variant are not available in the literature. V4765A has been observed in referenced population frequency databases. In summary, there is insufficient evidence to classify NM_206933.2(USH2A):c.14294T>C(V4765A) as pathogenic or benign. Please note: this variant was assessed in the context of healthy population screening.

Labcorp Genetics (formerly Invitae), Labcorp
Classification: Likely pathogenic. Last evaluated: 2025-11-18. Review status: criteria provided, single submitter. Criteria: Invitae Variant Classification Sherloc (09022015). Collection method: clinical testing. Allele origin: germline.
Comment: This sequence change replaces valine, which is neutral and non-polar, with alanine, which is neutral and non-polar, at codon 4765 of the USH2A protein (p.Val4765Ala). This variant is present in population databases (rs763127023, gnomAD 0.006%). This missense change has been observed in individual(s) with retinitis pigmentosa (PMID: 30054919; internal data). In at least one individual the data is consistent with being in trans (on the opposite chromosome) from a pathogenic variant. ClinVar contains an entry for this variant (Variation ID: 978999). Invitae Evidence Modeling of protein sequence and biophysical properties (such as structural, functional, and spatial information, amino acid conservation, physicochemical variation, residue mobility, and thermodynamic stability) indicates that this missense variant is not expected to disrupt USH2A protein function with a negative predictive value of 95%. In summary, the currently available evidence indicates that the variant is pathogenic, but additional data are needed to prove that conclusively. Therefore, this variant has been classified as Likely Pathogenic.

Women's Health and Genetics/Laboratory Corporation of America, LabCorp
Classification: Uncertain significance. Last evaluated: 2025-05-08. Review status: criteria provided, single submitter. Criteria: LabCorp Variant Classification Summary - May 2015. Collection method: clinical testing. Allele origin: germline.
Comment: Variant summary: USH2A c.14294T>C (p.Val4765Ala) results in a non-conservative amino acid change in the encoded protein sequence. Algorithms developed to predict the effect of missense changes on protein structure and function are either unavailable or do not agree on the potential impact of this missense change. The variant allele was found at a frequency of 8e-06 in 251194 control chromosomes (gnomAD). c.14294T>C has been observed in individuals affected with retinal dystrophy/retinitis pigmentosa (e.g., Patel_2018, AlAbdi_2023, Labcorp Genetics (formerly Invitae)). These data indicate that the variant may be associated with disease. To our knowledge, no experimental evidence demonstrating an impact on protein function has been reported. The following publications have been ascertained in the context of this evaluation (PMID: 30054919, 37644014). ClinVar contains an entry for this variant (Variation ID: 978999). Based on the evidence outlined above, the variant was classified as VUS-possibly pathogenic.

Blueprint Genetics
Classification: Likely pathogenic for USH2A-related disorders. Last evaluated: 2021-09-08. Review status: criteria provided, single submitter. Criteria: ACMG Guidelines, 2015. Collection method: clinical testing. Allele origin: germline. Affected: yes. Observed: 1 variant allele.

Faculty of Health Sciences, Beirut Arab University
Classification: Pathogenic for Autosomal recessive Retinitis Pigmentosa. Last evaluated: 2018-09-03. Review status: no assertion criteria provided. Collection method: literature only. Allele origin: germline. Affected: yes. Observed: 2 variant alleles. Not counted in ClinVar's aggregate classification.

Literature cited by the submitters: PubMed 30054919 (cited by 4 submitters); PubMed 37644014 (cited by Women's Health and Genetics/Laboratory Corporation of America, LabCorp).

NM_206933.4(USH2A):c.14294T>C (p.Val4765Ala)

Gene: USH2A (usherin; minus strand). Cytogenetic location: 1q41.
Variant type: single nucleotide variant.
Coding change: c.14294T>C on transcript NM_206933.4 (MANE Select); coding-DNA position 14294, T replaced by C.
Protein change: p.Val4765Ala; replaces valine 4765 with alanine.
Molecular consequence: missense variant.
Genome position (GRCh38, 1-based): chr1:215,650,641, A>G on the plus strand (T>C on the coding strand, the complement: USH2A is on the minus strand). VCF-style: chr1-215650641-A-G. GRCh37 (hg19) VCF-style: chr1-215823983-A-G.
Other names: short protein forms V4765A.
Identifiers: ClinVar variation 978999 (VCV000978999.7), dbSNP rs763127023, ClinGen allele CA1393067.